The following is an entry in ClinVar:

ClinVar aggregate classification (germline): Uncertain significance. Review status: criteria provided, multiple submitters, no conflicts (2 of 4 stars). 2 submissions from 2 submitters: Uncertain significance (2). Last evaluated 2022-10-17.

Conditions:
Developmental and epileptic encephalopathy, 1 (DEE1). Also called: X-linked infantile spasms; West's syndrome; Tonic spasms with clustering, arrest of psychomotor development and hypsarrhythmia on EEG; X-Linked Infantile Spasm Syndrome; INFANTILE SPASM SYNDROME, X-LINKED 1; Epileptic encephalopathy, early infantile, 1. Identifiers: MedGen C3463992, MONDO:0010632, OMIM 308350. Disease mechanism: loss of function.
Intellectual disability, X-linked, with or without seizures, ARX-related. Also called: MENTAL RETARDATION, X-LINKED 29; MENTAL RETARDATION, X-LINKED 32; MENTAL RETARDATION, X-LINKED 33; MENTAL RETARDATION, X-LINKED 38; MENTAL RETARDATION, X-LINKED 43; MENTAL RETARDATION, X-LINKED 76. Identifiers: Orphanet 777, MedGen C0796244, MONDO:0010317, OMIM 300419.

Allele frequency attached by ClinVar (database versions not stated): gnomAD exomes below 0.00001.
gnomAD v4.1: 3 of 1,119,470 alleles (0.00027%); highest among the groups gnomAD compares: Non-Finnish European, 0.00035%; no homozygotes.

Submissions (2):

Labcorp Genetics (formerly Invitae), Labcorp
Classification: Uncertain significance for Developmental and epileptic encephalopathy, 1; Intellectual disability, X-linked, with or without seizures, ARX-related. Last evaluated: 2022-10-17. Review status: criteria provided, single submitter. Criteria: Invitae Variant Classification Sherloc (09022015). Collection method: clinical testing. Allele origin: germline.
Comment: This sequence change replaces proline, which is neutral and non-polar, with leucine, which is neutral and non-polar, at codon 424 of the ARX protein (p.Pro424Leu). This variant is not present in population databases (gnomAD no frequency). This variant has not been reported in the literature in individuals affected with ARX-related conditions. ClinVar contains an entry for this variant (Variation ID: 1376496). Advanced modeling of protein sequence and biophysical properties (such as structural, functional, and spatial information, amino acid conservation, physicochemical variation, residue mobility, and thermodynamic stability) performed at Invitae indicates that this missense variant is not expected to disrupt ARX protein function. In summary, the available evidence is currently insufficient to determine the role of this variant in disease. Therefore, it has been classified as a Variant of Uncertain Significance.

GeneDx
Classification: Uncertain significance. Last evaluated: 2022-09-20. Review status: criteria provided, single submitter. Criteria: GeneDx Variant Classification Process June 2021. Collection method: clinical testing. Allele origin: germline. Affected: yes.
Comment: Not observed at significant frequency in large population cohorts (gnomAD); In silico analysis supports that this missense variant has a deleterious effect on protein structure/function; Has not been previously published as pathogenic or benign to our knowledge

NM_139058.3(ARX):c.1271C>T (p.Pro424Leu)

Gene: ARX (aristaless related homeobox; minus strand). Cytogenetic location: Xp21.3.
Variant type: single nucleotide variant.
Coding change: c.1271C>T on transcript NM_139058.3 (MANE Select); coding-DNA position 1271, C replaced by T.
Protein change: p.Pro424Leu; replaces proline 424 with leucine.
Molecular consequence: missense variant.
Genome position (GRCh38, 1-based): chrX:25,007,288, G>A on the plus strand (C>T on the coding strand, the complement: ARX is on the minus strand). VCF-style: chrX-25007288-G-A. GRCh37 (hg19) VCF-style: chrX-25025405-G-A.
Other names: c.1271C>T (NM_139058.2); short protein forms P424L.
Identifiers: ClinVar variation 1376496 (VCV001376496.3), dbSNP rs2147320493, ClinGen allele CA412611360.
Genomic context (GRCh38, chrX:25,007,288, plus strand): 5'-AGGCTCGGGAAGGCGGCGGCGGCGGCGGCGGCAGCGGCAGTCCAAGCGGAGTCGAGCGCC[G>A]GGTGGTGCGGAGGGAAGGGGCTGGCGTCCAGGTAGGGGCTGAGCGGGTGGGTGGCGGAGA-3'
Protein context (NP_620689.1, residues 414-434): LDASPFPPHH[Pro424Leu]ALDSAWTAAA